The following is an entry in ClinVar:

ClinVar aggregate classification (germline): Uncertain significance. Review status: criteria provided, multiple submitters, no conflicts (2 of 4 stars). 2 submissions from 2 submitters: Uncertain significance (2). Last evaluated 2025-04-10.

Allele frequency attached by ClinVar (database versions not stated): gnomAD 0.00001; gnomAD exomes 0.00001; TOPMed 0.00001; ExAC 0.00002.
gnomAD v4.1: 18 of 1,614,028 alleles (0.0011%); highest among the groups gnomAD compares: Non-Finnish European, 0.0015%; no homozygotes.

Submissions (2):

Ambry Genetics
Classification: Uncertain significance. Last evaluated: 2025-04-10. Review status: criteria provided, single submitter. Criteria: Ambry Variant Classification Scheme 2023. Collection method: clinical testing. Allele origin: germline.

Labcorp Genetics (formerly Invitae), Labcorp
Classification: Uncertain significance. Last evaluated: 2021-06-15. Review status: criteria provided, single submitter. Criteria: Invitae Variant Classification Sherloc (09022015). Collection method: clinical testing. Allele origin: germline.
Comment: In summary, the available evidence is currently insufficient to determine the role of this variant in disease. Therefore, it has been classified as a Variant of Uncertain Significance. Algorithms developed to predict the effect of missense changes on protein structure and function output the following: SIFT: "Tolerated"; PolyPhen-2: "Benign"; Align-GVGD: "Class C0". The proline amino acid residue is found in multiple mammalian species, suggesting that this missense change does not adversely affect protein function. These predictions have not been confirmed by published functional studies and their clinical significance is uncertain. This variant has not been reported in the literature in individuals with DISP1-related conditions. This variant is present in population databases (rs752958936, ExAC 0.003%). This sequence change replaces histidine with proline at codon 1263 of the DISP1 protein (p.His1263Pro). The histidine residue is moderately conserved and there is a moderate physicochemical difference between histidine and proline.

NM_001377229.1(DISP1):c.3788A>C (p.His1263Pro)

Gene: DISP1 (dispatched RND transporter family member 1; plus strand). Cytogenetic location: 1q41.
Variant type: single nucleotide variant.
Coding change: c.3788A>C on transcript NM_001377229.1 (MANE Select); coding-DNA position 3788, A replaced by C.
Protein change: p.His1263Pro; replaces histidine 1263 with proline.
Molecular consequence: missense variant.
Genome position (GRCh38, 1-based): chr1:223,005,185, A>C. VCF-style: chr1-223005185-A-C. GRCh37 (hg19) VCF-style: chr1-223178527-A-C.
Other names: c.3788A>C (NM_032890.3); c.3059A>C, p.His1020Pro (NM_001350630.2); c.3788A>C, p.His1263Pro (NM_001369594.1, NM_001377228.1, NM_032890.5); short protein forms H1263P, H1020P.
Identifiers: ClinVar variation 1443546 (VCV001443546.9), dbSNP rs752958936, ClinGen allele CA1409471.